The following is an entry in ClinVar:

NM_031471.6(FERMT3):c.1593G>A (p.Ser531=)

Gene: FERMT3 (FERM domain containing kindlin 3; plus strand). Cytogenetic location: 11q13.1.
Variant type: single nucleotide variant.
Coding change: c.1593G>A on transcript NM_031471.6 (MANE Select); coding-DNA position 1593, G replaced by A.
Protein change: p.Ser531=; no amino-acid change (serine 531 retained).
Molecular consequence: synonymous variant.
Genome position (GRCh38, 1-based): chr11:64,221,063, G>A. VCF-style: chr11-64221063-G-A. GRCh37 (hg19) VCF-style: chr11-63988535-G-A.
Other names: c.1593G>A, p.Ser531= (NM_001382361.1, NM_001382448.1); c.1605G>A, p.Ser535= (NM_001382362.1, NM_178443.3); c.1053G>A, p.Ser351= (NM_001382363.1); c.1065G>A, p.Ser355= (NM_001382364.1).
Identifiers: ClinVar variation 2901780 (VCV002901780.24), dbSNP rs768419260, ClinGen allele CA6069222.
Genomic context (GRCh38, chr11:64,221,063, plus strand): 5'-TATGGTCCCGCAGCTCACCCCACGGATCCTGGAAGCCCACCAGAATGTGGCCCAGTTGTC[G>A]CTGGCAGAGGCCCAGCTGCGCTTCATCCAGGCCTGGCAGTCCCTGCCCGACTTCGGCATC-3'
Protein context (NP_113659.3, residues 521-541): LEAHQNVAQL[Ser531=]LAEAQLRFIQ

ClinVar aggregate classification (germline): Likely benign. Review status: criteria provided, multiple submitters, no conflicts (2 of 4 stars). 2 submissions from 2 submitters: Likely benign (2). Last evaluated 2025-09-08.

Conditions:
Leukocyte adhesion deficiency 3. Also called: INTEGRIN ACTIVATION DEFICIENCY DISEASE; LEUKOCYTE ADHESION DEFICIENCY 1 VARIANT; Leukocyte adhesion deficiency, type III. Identifiers: Orphanet 2968, Orphanet 99844, MedGen C2748536, MONDO:0013016, OMIM 612840.

Allele frequency attached by ClinVar (database versions not stated): gnomAD exomes 0.00001; gnomAD 0.00002; TOPMed 0.00003; ExAC 0.00004.
gnomAD v4.1: 20 of 1,612,410 alleles (0.0012%); highest among the groups gnomAD compares: Admixed American, 0.0017%; no homozygotes.

Submissions (2):

Labcorp Genetics (formerly Invitae), Labcorp
Classification: Likely benign for Leukocyte adhesion deficiency 3. Last evaluated: 2025-09-08. Review status: criteria provided, single submitter. Criteria: Invitae Variant Classification Sherloc (09022015). Collection method: clinical testing. Allele origin: germline.

CeGaT Center for Human Genetics Tuebingen
Classification: Likely benign. Last evaluated: 2024-03-01. Review status: criteria provided, single submitter. Criteria: CeGaT Center For Human Genetics Tuebingen Variant Classification Criteria Version 2. Collection method: clinical testing. Allele origin: germline. Affected: yes. Observed: 1 variant allele.
Comment: FERMT3: BP4, BP7